The following is an entry in ClinVar:

ClinVar aggregate classification (germline): Conflicting classifications of pathogenicity. Review status: criteria provided, conflicting classifications (1 of 4 stars). 5 submissions from 5 submitters: Uncertain significance (1); Likely benign (4). Last evaluated 2026-01-24.

Conditions:
Inborn genetic diseases. Identifiers: MedGen C0950123, MeSH D030342.
Pontocerebellar hypoplasia type 1A (PCH1A). Also called: PONTOCEREBELLAR HYPOPLASIA WITH ANTERIOR HORN CELL DISEASE; PONTOCEREBELLAR HYPOPLASIA WITH INFANTILE SPINAL MUSCULAR ATROPHY. Identifiers: Orphanet 2254, Orphanet 88616, MedGen C1843504, MONDO:0011866, OMIM 607596.

Submissions (5):

Labcorp Genetics (formerly Invitae), Labcorp
Classification: Likely benign for Pontocerebellar hypoplasia type 1A. Last evaluated: 2026-01-24. Review status: criteria provided, single submitter. Criteria: Invitae Variant Classification Sherloc (09022015). Collection method: clinical testing. Allele origin: germline.

Fulgent Genetics
Classification: Likely benign for Pontocerebellar hypoplasia type 1A. Last evaluated: 2021-12-02. Review status: criteria provided, single submitter. Criteria: ACMG Guidelines, 2015. Collection method: clinical testing. Allele origin: unknown.

GeneDx
Classification: Likely benign. Last evaluated: 2020-10-07. Review status: criteria provided, single submitter. Criteria: GeneDx Variant Classification Process June 2021. Collection method: clinical testing. Allele origin: germline. Affected: yes.

Ambry Genetics
Classification: Uncertain significance for Inborn genetic diseases. Last evaluated: 2019-12-10. Review status: criteria provided, single submitter. Criteria: Ambry Variant Classification Scheme 2023. Collection method: clinical testing. Allele origin: germline.
Comment: The c.1058_1060delCAA variant (also known as p.T353del) is located in coding exon 10 of the VRK1 gene. This variant results from an in-frame CAA deletion at nucleotide positions 1058 to 1060. This results in the in-frame deletion of a threonine at codon 353. This amino acid position is poorly conserved in available vertebrate species. In addition, this alteration is predicted to be neutral by in silico analysis (Choi Y et al. PLoS ONE. 2012; 7(10):e46688). Since supporting evidence is limited at this time, the clinical significance of this alteration remains unclear.

Eurofins Ntd Llc (ga)
Classification: Likely benign. Last evaluated: 2015-04-15. Review status: criteria provided, single submitter. Criteria: EGL Classification Definitions 2015. Collection method: clinical testing. Allele origin: germline. Observed: 1 variant allele, 1 heterozygote.

NM_003384.3(VRK1):c.1058_1060del (p.Thr353del)

Gene: VRK1 (VRK serine/threonine kinase 1; plus strand). Cytogenetic location: 14q32.2.
Variant type: Deletion.
Coding change: c.1058_1060del on transcript NM_003384.3 (MANE Select); coding-DNA positions 1058 to 1060, 3 bases deleted (CAA; older notation c.1058_1060delCAA).
Protein change: p.Thr353del; deletes threonine 353.
Molecular consequence: inframe deletion.
Genome position (GRCh38, 1-based): chr14:96,860,725-96,860,727, CAA deleted; deleting any 3 consecutive bases within chr14:96,860,723-96,860,727 gives the same sequence; the c. name uses the placement nearest the transcript's 3' end. VCF-style (leftmost placement, unchanged base first): chr14-96860722-AAAC-A. GRCh37 (hg19) VCF-style: chr14-97327059-AAAC-A.
Other names: c.1058_1060delCAA (NM_003384.2); short protein forms T353del.
Identifiers: ClinVar variation 193863 (VCV000193863.23), dbSNP rs794727029, ClinGen allele CA200821.